The following is an entry in ClinVar:

ClinVar aggregate classification (germline): Pathogenic (1 of 4 stars; one submission).

Conditions:
Autosomal recessive nonsyndromic hearing loss 21. Identifiers: Orphanet 90636, MedGen C1863655, MONDO:0011351, OMIM 603629.

gnomAD v4.1: 1 of 1,614,216 alleles (0.000062%); highest among the groups gnomAD compares: South Asian, 0.0011%; no homozygotes.

Submission:

3billion
Classification: Pathogenic for Autosomal recessive nonsyndromic hearing loss 21. Last evaluated: 2022-05-22. Review status: criteria provided, single submitter. Criteria: ACMG Guidelines, 2015. Collection method: clinical testing. Allele origin: germline. Affected: yes. Observed: 1 homozygote.
Comment: The substitution creates a nonsense variant, which is expected to cause a loss of normal protein function via nonsense-mediated mRNA decay. It is absent from the gnomAD v2.1.1 dataset. Therefore, this variant is classified as pathogenic according to the recommendation of ACMG/AMP guideline.

NM_005422.4(TECTA):c.6103G>T (p.Glu2035Ter)

Genes: TBCEL-TECTA (TBCEL-TECTA readthrough; plus strand), TECTA (tectorin alpha; plus strand). Cytogenetic location: 11q23.3.
Variant type: single nucleotide variant.
Coding change: c.6103G>T on transcript NM_005422.4 (MANE Select); coding-DNA position 6103, G replaced by T.
Protein change: p.Glu2035Ter; replaces glutamic acid 2035 with a stop codon.
Molecular consequence: nonsense.
Genome position (GRCh38, 1-based): chr11:121,187,935, G>T. VCF-style: chr11-121187935-G-T. GRCh37 (hg19) VCF-style: chr11-121058644-G-T.
Other names: c.7045G>T, p.Glu2349Ter (NM_001378761.1); short protein forms E2035*, E2349*.
Identifiers: ClinVar variation 1687445 (VCV001687445.1), dbSNP rs267602733, ClinGen allele CA383009749.
Genomic context (GRCh38, chr11:121,187,935, plus strand): 5'-GCAGTCTCCCTGACCTGTCGCTTTCACGTCACCGTCTTTAAATTCATAGGGGATTACGAC[G>T]AAGTTCACCTTCACTGTGCAGTGTCACTCTGCGACTCAGAAAAGTACTCCTGTAAAATCG-3'